The following is an entry in ClinVar:

ClinVar aggregate classification (germline): Uncertain significance. Review status: criteria provided, multiple submitters, no conflicts (2 of 4 stars). 2 submissions from 2 submitters: Uncertain significance (2). Last evaluated 2022-09-06.

Conditions:
Inborn genetic diseases. Identifiers: MedGen C0950123, MeSH D030342.

Allele frequency attached by ClinVar (database versions not stated): gnomAD exomes 0.00002 and 0.00003; ExAC 0.00004; TOPMed 0.00007; gnomAD 0.00008 and 0.00009; ESP Exome Variant Server 0.00015.
gnomAD v4.1: 43 of 1,596,618 alleles (0.0027%); highest among the groups gnomAD compares: African/African-American, 0.015%; no homozygotes.

Submissions (2):

Ambry Genetics
Classification: Uncertain significance for Inborn genetic diseases. Last evaluated: 2022-09-06. Review status: criteria provided, single submitter. Criteria: Ambry Variant Classification Scheme 2023. Collection method: clinical testing. Allele origin: germline.

Labcorp Genetics (formerly Invitae), Labcorp
Classification: Uncertain significance. Last evaluated: 2022-07-31. Review status: criteria provided, single submitter. Criteria: Invitae Variant Classification Sherloc (09022015). Collection method: clinical testing. Allele origin: germline.
Comment: In summary, the available evidence is currently insufficient to determine the role of this variant in disease. Therefore, it has been classified as a Variant of Uncertain Significance. Algorithms developed to predict the effect of missense changes on protein structure and function (SIFT, PolyPhen-2, Align-GVGD) all suggest that this variant is likely to be tolerated. ClinVar contains an entry for this variant (Variation ID: 1411244). This variant has not been reported in the literature in individuals affected with VAC14-related conditions. This variant is present in population databases (rs145401972, gnomAD 0.02%). This sequence change replaces arginine, which is basic and polar, with glutamine, which is neutral and polar, at codon 766 of the VAC14 protein (p.Arg766Gln).

NM_018052.5(VAC14):c.2297G>A (p.Arg766Gln)

Gene: VAC14 (VAC14 component of PIKFYVE complex; minus strand). Cytogenetic location: 16q22.1.
Variant type: single nucleotide variant.
Coding change: c.2297G>A on transcript NM_018052.5 (MANE Select); coding-DNA position 2297, G replaced by A.
Protein change: p.Arg766Gln; replaces arginine 766 with glutamine.
Molecular consequence: missense variant.
Genome position (GRCh38, 1-based): chr16:70,687,980, C>T on the plus strand (G>A on the coding strand, the complement: VAC14 is on the minus strand). VCF-style: chr16-70687980-C-T. GRCh37 (hg19) VCF-style: chr16-70721883-C-T.
Other names: c.1595G>A, p.Arg532Gln (NM_001351157.2); c.2297G>A (NM_018052.3); short protein forms R532Q, R766Q.
Identifiers: ClinVar variation 1411244 (VCV001411244.7), dbSNP rs145401972, ClinGen allele CA8147332.